The following is an entry in ClinVar:

NM_002335.4(LRP5):c.1948A>G (p.Thr650Ala)

Gene: LRP5 (LDL receptor related protein 5; plus strand). Cytogenetic location: 11q13.2.
Variant type: single nucleotide variant.
Coding change: c.1948A>G on transcript NM_002335.4 (MANE Select); coding-DNA position 1948, A replaced by G.
Protein change: p.Thr650Ala; replaces threonine 650 with alanine.
Molecular consequence: missense variant.
Genome position (GRCh38, 1-based): chr11:68,406,670, A>G. VCF-style: chr11-68406670-A-G. GRCh37 (hg19) VCF-style: chr11-68174138-A-G.
Other names: c.205A>G, p.Thr69Ala (NM_001291902.2); c.1948A>G (NM_002335.2); short protein forms T650A, T69A.
Identifiers: ClinVar variation 1255566 (VCV001255566.10), dbSNP rs756999448, ClinGen allele CA6149490.

ClinVar aggregate classification (germline): Uncertain significance. Review status: criteria provided, multiple submitters, no conflicts (2 of 4 stars). 4 submissions from 4 submitters: Uncertain significance (3). 1 of the submissions does not count toward it. Last evaluated 2025-10-01.

Conditions:
Inborn genetic diseases. Identifiers: MedGen C0950123, MeSH D030342.
Autosomal dominant polycystic liver disease. Also called: Congenital cystic disease of liver; Polycystic liver disease. Identifiers: Orphanet 2924, MedGen C0158683, MONDO:0000447, HP:0006557.

Allele frequency attached by ClinVar (database versions not stated): gnomAD 0.00001; TOPMed 0.00001; ExAC 0.00002; gnomAD exomes 0.00002.
gnomAD v4.1: 35 of 1,614,022 alleles (0.0022%); highest among the groups gnomAD compares: Non-Finnish European, 0.003%; no homozygotes.

Submissions (4):

Labcorp Genetics (formerly Invitae), Labcorp
Classification: Uncertain significance. Last evaluated: 2025-10-01. Review status: criteria provided, single submitter. Criteria: Invitae Variant Classification Sherloc (09022015). Collection method: clinical testing. Allele origin: germline.
Comment: This sequence change replaces threonine, which is neutral and polar, with alanine, which is neutral and non-polar, at codon 650 of the LRP5 protein (p.Thr650Ala). This variant is present in population databases (rs756999448, gnomAD 0.004%). This variant has not been reported in the literature in individuals affected with LRP5-related conditions. ClinVar contains an entry for this variant (Variation ID: 1255566). Invitae Evidence Modeling of protein sequence and biophysical properties (such as structural, functional, and spatial information, amino acid conservation, physicochemical variation, residue mobility, and thermodynamic stability) indicates that this missense variant is not expected to disrupt LRP5 protein function with a negative predictive value of 95%. In summary, the available evidence is currently insufficient to determine the role of this variant in disease. Therefore, it has been classified as a Variant of Uncertain Significance.

Ambry Genetics
Classification: Uncertain significance for Inborn genetic diseases. Last evaluated: 2023-03-24. Review status: criteria provided, single submitter. Criteria: Ambry Variant Classification Scheme 2023. Collection method: clinical testing. Allele origin: germline.

Blueprint Genetics
Classification: Uncertain significance. Last evaluated: 2022-12-29. Review status: criteria provided, single submitter. Criteria: ACMG Guidelines, 2015. Collection method: clinical testing. Allele origin: germline.

Laboratory of Gastroenterology and Hepatology, Radboud University Medical Center
Classification: Likely benign for Autosomal dominant polycystic liver disease. Last evaluated: 2021-09-01. Review status: no assertion criteria provided. Collection method: research. Allele origin: germline. Affected: yes. Not counted in ClinVar's aggregate classification.